The following is an entry in ClinVar:

ClinVar aggregate classification (germline): Uncertain significance (1 of 4 stars; one submission).

Conditions:
Genitopatellar syndrome (GTPTS). Also called: ABSENT PATELLAE, SCROTAL HYPOPLASIA, RENAL ANOMALIES, FACIAL DYSMORPHISM, AND MENTAL RETARDATION; Genitopatellar syndrome (GPS). Identifiers: Orphanet 85201, MedGen C1853566, MONDO:0011640, OMIM 606170.

gnomAD v4.1: 4 of 1,613,924 alleles (0.00025%); highest among the groups gnomAD compares: South Asian, 0.0011%; no homozygotes.

Submission:

Labcorp Genetics (formerly Invitae), Labcorp
Classification: Uncertain significance for Genitopatellar syndrome. Last evaluated: 2025-02-06. Review status: criteria provided, single submitter. Criteria: Invitae Variant Classification Sherloc (09022015). Collection method: clinical testing. Allele origin: germline.
Comment: This sequence change replaces phenylalanine, which is neutral and non-polar, with cysteine, which is neutral and slightly polar, at codon 955 of the KAT6B protein (p.Phe955Cys). This variant is present in population databases (no rsID available, gnomAD no frequency). This variant has not been reported in the literature in individuals affected with KAT6B-related conditions. An algorithm developed to predict the effect of missense changes on protein structure and function (PolyPhen-2) suggests that this variant is likely to be disruptive. In summary, the available evidence is currently insufficient to determine the role of this variant in disease. Therefore, it has been classified as a Variant of Uncertain Significance.

NM_012330.4(KAT6B):c.2864T>G (p.Phe955Cys)

Gene: KAT6B (lysine acetyltransferase 6B; plus strand). Cytogenetic location: 10q22.2.
Variant type: single nucleotide variant.
Coding change: c.2864T>G on transcript NM_012330.4 (MANE Select); coding-DNA position 2864, T replaced by G.
Protein change: p.Phe955Cys; replaces phenylalanine 955 with cysteine.
Molecular consequence: missense variant.
Genome position (GRCh38, 1-based): chr10:75,021,128, T>G. VCF-style: chr10-75021128-T-G. GRCh37 (hg19) VCF-style: chr10-76780886-T-G.
Other names: c.2315T>G, p.Phe772Cys (NM_001256468.2, NM_001370138.1); c.1988T>G, p.Phe663Cys (NM_001256469.2, NM_001370139.1, NM_001370140.1 and 2 more transcripts); c.1826T>G, p.Phe609Cys (NM_001370132.1); c.1175T>G, p.Phe392Cys (NM_001370133.1); c.779T>G, p.Phe260Cys (NM_001370134.1); c.521T>G, p.Phe174Cys (NM_001370135.1); c.2864T>G, p.Phe955Cys (NM_001370136.1, NM_001370137.1); c.1799T>G, p.Phe600Cys (NM_001370143.1, NM_001370144.1); short protein forms F392C, F600C, F260C, F955C, F609C, F663C, F174C, F772C.
Identifiers: ClinVar variation 4744388 (VCV004744388.1).
Genomic context (GRCh38, chr10:75,021,128, plus strand): 5'-AAGCTGAAGTGAAATTTCAGCTTGTGATTACATCTTGTTCTGCCTTATCACATTACAGAT[T>G]TGTCATCATTAGACGGGAAAAGTTGATATTGAGCCACATGGAAAAGCTGAAAACCTGTTC-3'
Protein context (NP_036462.2, residues 945-965): LHMIDKRDGR[Phe955Cys]VIIRREKLIL